The following is an entry in ClinVar:

ClinVar aggregate classification (germline): Uncertain significance (1 of 4 stars; one submission).

Conditions:
Charcot-Marie-Tooth disease type 4A. Also called: Charcot-Marie-Tooth disease, demyelinating, autosomal recessive, type 4a. Identifiers: Orphanet 99948, MedGen C1859198, MONDO:0008961, OMIM 214400.

Allele frequency attached by ClinVar (database versions not stated): gnomAD exomes below 0.00001; TOPMed 0.00001.
gnomAD v4.1: 3 of 1,613,900 alleles (0.00019%); highest among the groups gnomAD compares: African/African-American, 0.0027%; no homozygotes.

Submission:

Labcorp Genetics (formerly Invitae), Labcorp
Classification: Uncertain significance for Charcot-Marie-Tooth disease type 4A. Last evaluated: 2022-09-11. Review status: criteria provided, single submitter. Criteria: Invitae Variant Classification Sherloc (09022015). Collection method: clinical testing. Allele origin: germline.
Comment: In summary, the available evidence is currently insufficient to determine the role of this variant in disease. Therefore, it has been classified as a Variant of Uncertain Significance. Algorithms developed to predict the effect of missense changes on protein structure and function are either unavailable or do not agree on the potential impact of this missense change (SIFT: "Deleterious"; PolyPhen-2: "Benign"; Align-GVGD: "Class C15"). This variant has not been reported in the literature in individuals affected with GDAP1-related conditions. This variant is present in population databases (no rsID available, gnomAD 0.007%). This sequence change replaces leucine, which is neutral and non-polar, with phenylalanine, which is neutral and non-polar, at codon 80 of the GDAP1 protein (p.Leu80Phe).

NM_018972.4(GDAP1):c.238C>T (p.Leu80Phe)

Gene: GDAP1 (ganglioside induced differentiation associated protein 1; plus strand). Cytogenetic location: 8q21.11.
Variant type: single nucleotide variant.
Coding change: c.238C>T on transcript NM_018972.4 (MANE Select); coding-DNA position 238, C replaced by T.
Protein change: p.Leu80Phe; replaces leucine 80 with phenylalanine.
Molecular consequence: missense variant. On other transcripts: intron variant (2).
Genome position (GRCh38, 1-based): chr8:74,351,394, C>T. VCF-style: chr8-74351394-C-T. GRCh37 (hg19) VCF-style: chr8-75263629-C-T.
Other names: c.34C>T, p.Leu12Phe (NM_001040875.4); c.238C>T, p.Leu80Phe (NM_001362930.2, NM_001362931.2); c.-18+73C>T (NM_001362929.2); c.-18+816C>T (NM_001362932.2); short protein forms L12F, L80F.
Identifiers: ClinVar variation 2077366 (VCV002077366.4), dbSNP rs1185325806, ClinGen allele CA371499503.